The following is an entry in ClinVar:

ClinVar aggregate classification (germline): Uncertain significance (1 of 4 stars; one submission).

Conditions:
Inborn genetic diseases. Identifiers: MedGen C0950123, MeSH D030342.

Submission:

Ambry Genetics
Classification: Uncertain significance for Inborn genetic diseases. Last evaluated: 2024-03-18. Review status: criteria provided, single submitter. Criteria: Ambry Variant Classification Scheme 2023. Collection method: clinical testing. Allele origin: germline.
Comment: The p.L2300S variant (also known as c.6899T>C), located in coding exon 47 of the LRRK2 gene, results from a T to C substitution at nucleotide position 6899. The leucine at codon 2300 is replaced by serine, an amino acid with dissimilar properties. This amino acid position is conserved. In addition, the in silico prediction for this alteration is inconclusive. Based on the available evidence, the clinical significance of this alteration remains unclear.

NM_198578.4(LRRK2):c.6899T>C (p.Leu2300Ser)

Gene: LRRK2 (leucine rich repeat kinase 2; plus strand). Cytogenetic location: 12q12.
Variant type: single nucleotide variant.
Coding change: c.6899T>C on transcript NM_198578.4 (MANE Select); coding-DNA position 6899, T replaced by C.
Protein change: p.Leu2300Ser; replaces leucine 2300 with serine.
Molecular consequence: missense variant.
Genome position (GRCh38, 1-based): chr12:40,359,315, T>C. VCF-style: chr12-40359315-T-C. GRCh37 (hg19) VCF-style: chr12-40753117-T-C.
Other names: short protein forms L2300S.
Identifiers: ClinVar variation 3291880 (VCV003291880.1).